The following is an entry in ClinVar:

ClinVar aggregate classification (germline): Uncertain significance (1 of 4 stars; one submission).

gnomAD v4.1: 1 of 1,614,140 alleles (0.000062%); highest among the groups gnomAD compares: Non-Finnish European, 0.000085%; no homozygotes.

Submission:

Ambry Genetics
Classification: Uncertain significance. Last evaluated: 2020-10-29. Review status: criteria provided, single submitter. Criteria: Ambry Variant Classification Scheme 2023. Collection method: clinical testing. Allele origin: germline.
Comment: The p.I1028M variant (also known as c.3084C>G), located in coding exon 27 of the KIF1B gene, results from a C to G substitution at nucleotide position 3084. The isoleucine at codon 1028 is replaced by methionine, an amino acid with highly similar properties. This amino acid position is well conserved in available vertebrate species. In addition, the in silico prediction for this alteration is inconclusive. Since supporting evidence is limited at this time, the clinical significance of this alteration remains unclear.

NM_001365951.3(KIF1B):c.3222C>G (p.Ile1074Met)

Gene: KIF1B (kinesin family member 1B; plus strand). Cytogenetic location: 1p36.22.
Variant type: single nucleotide variant.
Coding change: c.3222C>G on transcript NM_001365951.3 (MANE Select); coding-DNA position 3222, C replaced by G.
Protein change: p.Ile1074Met; replaces isoleucine 1074 with methionine.
Molecular consequence: missense variant.
Genome position (GRCh38, 1-based): chr1:10,337,166, C>G. VCF-style: chr1-10337166-C-G. GRCh37 (hg19) VCF-style: chr1-10397224-C-G.
Other names: c.3222C>G, p.Ile1074Met (NM_001365952.1); c.3084C>G, p.Ile1028Met (NM_015074.3); short protein forms I1028M, I1074M.
Identifiers: ClinVar variation 1727391 (VCV001727391.2), dbSNP rs979212726, ClinGen allele CA17841538.